The following is an entry in ClinVar:

ClinVar aggregate classification (germline): Likely benign. Review status: criteria provided, multiple submitters, no conflicts (2 of 4 stars). 4 submissions from 4 submitters: Likely benign (4). Last evaluated 2025-08-02.

Conditions:
EYS-related disorder. Also called: EYS-related condition.

Allele frequency attached by ClinVar (database versions not stated): gnomAD 0.00003 and 0.00004; gnomAD exomes 0.00003; TOPMed 0.00004.
gnomAD v4.1: 42 of 1,517,210 alleles (0.0028%); highest among the groups gnomAD compares: Middle Eastern, 0.017%; no homozygotes.

Submissions (4):

PreventionGenetics, part of Exact Sciences
Classification: Likely benign for EYS-related condition. Last evaluated: 2025-08-02. Review status: criteria provided, single submitter. Criteria: ACMG Guidelines, 2015. Collection method: clinical testing. Allele origin: germline.
Comment: This variant is classified as likely benign based on ACMG/AMP sequence variant interpretation guidelines (Richards et al. 2015 PMID: 25741868, with internal and published modifications).

Labcorp Genetics (formerly Invitae), Labcorp
Classification: Likely benign. Last evaluated: 2025-06-12. Review status: criteria provided, single submitter. Criteria: Invitae Variant Classification Sherloc (09022015). Collection method: clinical testing. Allele origin: germline.

Women's Health and Genetics/Laboratory Corporation of America, LabCorp
Classification: Likely benign. Last evaluated: 2025-04-23. Review status: criteria provided, single submitter. Criteria: LabCorp Variant Classification Summary - May 2015. Collection method: clinical testing. Allele origin: germline.

Blueprint Genetics
Classification: Likely benign. Last evaluated: 2023-10-18. Review status: criteria provided, single submitter. Criteria: ACMG Guidelines, 2015. Collection method: clinical testing. Allele origin: germline.

NM_001142800.2(EYS):c.3164+7A>T

Gene: EYS (EGF-like photoreceptor maintenance factor; minus strand). Cytogenetic location: 6q12.
Variant type: single nucleotide variant.
Coding change: c.3164+7A>T on transcript NM_001142800.2 (MANE Select); 7 bases into the intron after coding-DNA position 3164, A replaced by T.
Molecular consequence: intron variant.
Genome position (GRCh38, 1-based): chr6:64,822,644, T>A on the plus strand (A>T on the coding strand, the complement: EYS is on the minus strand). VCF-style: chr6-64822644-T-A. GRCh37 (hg19) VCF-style: chr6-65532537-T-A.
Other names: c.3164+7A>T (NM_001292009.2).
Identifiers: ClinVar variation 794181 (VCV000794181.15), dbSNP rs963551759, ClinGen allele CA140369224.
Genomic context (GRCh38, chr6:64,822,644, plus strand): 5'-ATGTTAAGTCTTAAATATTGTGAGTTAAATATACTTTCATAAAGCTAATAATAAAAAAAA[T>A]AGCTACCTTCCATGTAGACAAGGATTTGAAAGGCAATCATTGGCGTTTGTTTCACAGTGT-3'